The following is an entry in ClinVar:

NM_000245.4(MET):c.3992C>T (p.Ser1331Phe)

Gene: MET (MET proto-oncogene, receptor tyrosine kinase; plus strand). Cytogenetic location: 7q31.2.
Variant type: single nucleotide variant.
Coding change: c.3992C>T on transcript NM_000245.4 (MANE Select); coding-DNA position 3992, C replaced by T.
Protein change: p.Ser1331Phe; replaces serine 1331 with phenylalanine.
Molecular consequence: missense variant.
Genome position (GRCh38, 1-based): chr7:116,795,943, C>T. VCF-style: chr7-116795943-C-T. GRCh37 (hg19) VCF-style: chr7-116435997-C-T.
Other names: c.4046C>T, p.Ser1349Phe (NM_001127500.3); c.2702C>T, p.Ser901Phe (NM_001324402.2); short protein forms S1331F, S1349F, S901F.
Identifiers: ClinVar variation 3395194 (VCV003395194.1).

ClinVar aggregate classification (germline): Uncertain significance (1 of 4 stars; one submission).

Conditions:
Hereditary cancer-predisposing syndrome. Also called: Hereditary Cancer Syndrome; Tumor predisposition; Hereditary neoplastic syndrome; Neoplastic Syndromes, Hereditary. Identifiers: Orphanet 140162, MedGen C0027672, MeSH D009386, MONDO:0015356.

Submission:

Ambry Genetics
Classification: Uncertain significance for Hereditary cancer-predisposing syndrome. Last evaluated: 2024-11-09. Review status: criteria provided, single submitter. Criteria: Ambry Variant Classification Scheme 2023. Collection method: clinical testing. Allele origin: germline.
Comment: The p.S1349F variant (also known as c.4046C>T), located in coding exon 20 of the MET gene, results from a C to T substitution at nucleotide position 4046. The serine at codon 1349 is replaced by phenylalanine, an amino acid with highly dissimilar properties. This amino acid position is conserved. In addition, this alteration is predicted to be deleterious by in silico analysis. Based on the available evidence, the clinical significance of this variant remains unclear.